The following is an entry in ClinVar:

ClinVar aggregate classification (germline): Uncertain significance (1 of 4 stars; one submission).

Conditions:
MHC class II deficiency. Also called: Bare lymphocyte syndrome 2; BLS, TYPE II. Identifiers: Orphanet 572, MedGen C5447452, MONDO:0008855.

Allele frequency attached by ClinVar (database versions not stated): TOPMed below 0.00001; ExAC 0.00001; gnomAD exomes 0.00001.
gnomAD v4.1: 8 of 1,610,734 alleles (0.0005%); highest among the groups gnomAD compares: Admixed American, 0.0083%; no homozygotes.

Submission:

Labcorp Genetics (formerly Invitae), Labcorp
Classification: Uncertain significance for MHC class II deficiency. Last evaluated: 2021-09-01. Review status: criteria provided, single submitter. Criteria: Invitae Variant Classification Sherloc (09022015). Collection method: clinical testing. Allele origin: germline.
Comment: This sequence change replaces alanine with valine at codon 417 of the CIITA protein (p.Ala417Val). The alanine residue is highly conserved and there is a small physicochemical difference between alanine and valine. This variant is present in population databases (rs777212471, ExAC 0.009%). This variant has not been reported in the literature in individuals affected with CIITA-related conditions. Algorithms developed to predict the effect of missense changes on protein structure and function are either unavailable or do not agree on the potential impact of this missense change (SIFT: "Tolerated"; PolyPhen-2: "Possibly Damaging"; Align-GVGD: "Class C0"). In summary, the available evidence is currently insufficient to determine the role of this variant in disease. Therefore, it has been classified as a Variant of Uncertain Significance.

NM_000246.4(CIITA):c.1250C>T (p.Ala417Val)

Gene: CIITA (class II major histocompatibility complex transactivator; plus strand). Cytogenetic location: 16p13.13.
Variant type: single nucleotide variant.
Coding change: c.1250C>T on transcript NM_000246.4 (MANE Select); coding-DNA position 1250, C replaced by T.
Protein change: p.Ala417Val; replaces alanine 417 with valine.
Molecular consequence: missense variant. On other transcripts: intron variant (1).
Genome position (GRCh38, 1-based): chr16:10,906,742, C>T. VCF-style: chr16-10906742-C-T. GRCh37 (hg19) VCF-style: chr16-11000599-C-T.
Other names: c.1253C>T, p.Ala418Val (NM_001286402.1, NM_001379332.1); c.1106C>T, p.Ala369Val (NM_001379330.1); c.1103C>T, p.Ala368Val (NM_001379331.1); c.1250C>T, p.Ala417Val (NM_001379333.1); c.1181C>T, p.Ala394Val (NM_001379334.1); c.859+1930C>T (NM_001286403.2); short protein forms A418V, A368V, A369V, A417V, A394V.
Identifiers: ClinVar variation 1986340 (VCV001986340.1), dbSNP rs777212471, ClinGen allele CA7900090.
Genomic context (GRCh38, chr16:10,906,742, plus strand): 5'-TGGCTGAGGTGCTGTTGGCTGCCAAGGAGCACCGGCGGCCGCGTGAGACACGAGTGATTG[C>T]TGTGCTGGGCAAAGCTGGTCAGGGCAAGAGCTATTGGGCTGGGGCAGTGAGCCGGGCCTG-3'
Protein context (NP_000237.2, residues 407-427): HRRPRETRVI[Ala417Val]VLGKAGQGKS